The following is an entry in ClinVar:

NC_000017.10:g.(3540611_3543481)_(3560090_3561298)del

Gene: CTNS (cystinosin, lysosomal cystine transporter; plus strand). Cytogenetic location: 17p13.2.
Variant type: Deletion.
Identifiers: ClinVar variation 3366834 (VCV003366834.1).

ClinVar aggregate classification (germline): Pathogenic (1 of 4 stars; one submission).

Conditions:
Cystinosis. Also called: Cystine diathesis; Cystine storage disease; Cystinoses. Identifiers: Orphanet 213, MedGen C4316899, MONDO:0016239.

Submission:

Women's Health and Genetics/Laboratory Corporation of America, LabCorp
Classification: Pathogenic for Cystinosis. Last evaluated: 2024-08-13. Review status: criteria provided, single submitter. Criteria: LabCorp Variant Classification Summary - May 2015. Collection method: clinical testing. Allele origin: germline.
Comment: Variant summary: The variant involves the deletion of exons 3-9 in the CTNS gene. A presumed nomenclature of c.(-20+1_-19-1)_(681+1_682-1)del has been designated for the purposes of this classification. This copy number variant (CNV) is predicted to remove the initiation codon and result in an absence of protein or a truncation of the encoded protein due to translation initiation at a downstream site. The variant was absent in 21694 control chromosomes. To our knowledge, no occurrence of c.(-20+1_-19-1)_(681+1_682-1)del in individuals affected with Cystinosis and no experimental evidence demonstrating its impact on protein function have been reported. No submitters have cited clinical-significance assessments for this variant to ClinVar. Based on the evidence outlined above, the variant was classified as pathogenic.